The following is an entry in ClinVar:

ClinVar aggregate classification (germline): Uncertain significance (1 of 4 stars; one submission).

Submission:

GeneDx
Classification: Uncertain significance. Last evaluated: 2024-02-14. Review status: criteria provided, single submitter. Criteria: GeneDx Variant Classification Process June 2021. Collection method: clinical testing. Allele origin: germline. Affected: yes.
Comment: Not observed at significant frequency in large population cohorts (gnomAD); In silico analysis supports that this missense variant has a deleterious effect on protein structure/function; Missense variant in a gene in which most reported pathogenic variants are truncating/loss of function; Has not been previously published as pathogenic or benign to our knowledge

NM_004484.4(GPC3):c.607C>G (p.Arg203Gly)

Gene: GPC3 (glypican 3; minus strand). Cytogenetic location: Xq26.2.
Variant type: single nucleotide variant.
Coding change: c.607C>G on transcript NM_004484.4 (MANE Select); coding-DNA position 607, C replaced by G.
Protein change: p.Arg203Gly; replaces arginine 203 with glycine.
Molecular consequence: missense variant.
Genome position (GRCh38, 1-based): chrX:133,753,907, G>C on the plus strand (C>G on the coding strand, the complement: GPC3 is on the minus strand). VCF-style: chrX-133753907-G-C. GRCh37 (hg19) VCF-style: chrX-132887934-G-C.
Other names: c.607C>G, p.Arg203Gly (NM_001164617.2); c.559C>G, p.Arg187Gly (NM_001164618.2); c.445C>G, p.Arg149Gly (NM_001164619.2); short protein forms R149G, R187G, R203G.
Identifiers: ClinVar variation 1302370 (VCV001302370.3), dbSNP rs756480292, ClinGen allele CA414706254.